The following is an entry in ClinVar:

ClinVar aggregate classification (germline): Likely benign (1 of 4 stars; one submission).

Allele frequency attached by ClinVar (database versions not stated): TOPMed below 0.00001; gnomAD exomes below 0.00001.

Submission:

GeneDx
Classification: Likely benign. Last evaluated: 2016-09-20. Review status: criteria provided, single submitter. Criteria: GeneDx Variant Classification (06012015). Collection method: clinical testing. Allele origin: germline. Affected: yes.
Comment: This variant is considered likely benign or benign based on one or more of the following criteria: it is a conservative change, it occurs at a poorly conserved position in the protein, it is predicted to be benign by multiple in silico algorithms, and/or has population frequency not consistent with disease.

NM_004408.4(DNM1):c.*19C>T

Gene: DNM1 (dynamin 1; plus strand). Cytogenetic location: 9q34.11.
Variant type: single nucleotide variant.
Coding change: c.*19C>T on transcript NM_004408.4 (MANE Select); 19 bases downstream of the stop codon, C replaced by T.
Molecular consequence: 3 prime UTR variant.
Genome position (GRCh38, 1-based): chr9:128,254,733, C>T. VCF-style: chr9-128254733-C-T. GRCh37 (hg19) VCF-style: chr9-131017012-C-T.
Other names: c.*95C>T (NM_001005336.3, NM_001288737.2); c.*740C>T (NM_001288738.2); c.*19C>T (NM_001288739.2).
Identifiers: ClinVar variation 389216 (VCV000389216.1), dbSNP rs1057523362, ClinGen allele CA16605601.
Genomic context (GRCh38, chr9:128,254,733, plus strand): 5'-CCATCCCGTCCTGAGAGCCCCAGGCCCCCCTTCGACCTCTAAACAGATCCCTCCTCTTCT[C>T]GGAGACCTCCCTTTCCAAGCCTGCCTGGACGGCTGTTCTGTGACTTGACAGTGGCTCCCC-3'